The following is an entry in ClinVar:

ClinVar aggregate classification (germline): Likely benign (0 of 4 stars; one submission).

Conditions:
ADCY3-related disorder. Also called: ADCY3-related condition.

Allele frequency attached by ClinVar (database versions not stated): gnomAD exomes 0.00001.
gnomAD v4.1: 4 of 1,614,152 alleles (0.00025%); highest among the groups gnomAD compares: Admixed American, 0.005%; no homozygotes.

Submission:

PreventionGenetics, part of Exact Sciences
Classification: Likely benign for ADCY3-related condition. Last evaluated: 2022-04-06. Review status: no assertion criteria provided. Collection method: clinical testing. Allele origin: germline.
Comment: This variant is classified as likely benign based on ACMG/AMP sequence variant interpretation guidelines (Richards et al. 2015 PMID: 25741868, with internal and published modifications).

NM_004036.5(ADCY3):c.2415G>A (p.Lys805=)

Gene: ADCY3 (adenylate cyclase 3; minus strand). Cytogenetic location: 2p23.3.
Variant type: single nucleotide variant.
Coding change: c.2415G>A on transcript NM_004036.5 (MANE Select); coding-DNA position 2415, G replaced by A.
Protein change: p.Lys805=; no amino-acid change (lysine 805 retained).
Molecular consequence: synonymous variant. On other transcripts: intron variant (1).
Genome position (GRCh38, 1-based): chr2:24,827,919, C>T on the plus strand (G>A on the coding strand, the complement: ADCY3 is on the minus strand). VCF-style: chr2-24827919-C-T. GRCh37 (hg19) VCF-style: chr2-25050788-C-T.
Other names: c.2415G>A, p.Lys805= (NM_001320613.2, NM_001377132.1); c.2481G>A, p.Lys827= (NM_001377128.1); c.2277G>A, p.Lys759= (NM_001377129.1); c.1692G>A, p.Lys564= (NM_001377131.1); c.2172+2790G>A (NM_001377130.1).
Identifiers: ClinVar variation 3047118 (VCV003047118.2), dbSNP rs1201956210, ClinGen allele CA425352393.